The following is an entry in ClinVar:

NM_001376.5(DYNC1H1):c.11350G>C (p.Val3784Leu)

Gene: DYNC1H1 (dynein cytoplasmic 1 heavy chain 1; plus strand). Cytogenetic location: 14q32.31.
Variant type: single nucleotide variant.
Coding change: c.11350G>C on transcript NM_001376.5 (MANE Select); coding-DNA position 11350, G replaced by C.
Protein change: p.Val3784Leu; replaces valine 3784 with leucine.
Molecular consequence: missense variant.
Genome position (GRCh38, 1-based): chr14:102,039,144, G>C. VCF-style: chr14-102039144-G-C. GRCh37 (hg19) VCF-style: chr14-102505481-G-C.
Other names: short protein forms V3784L.
Identifiers: ClinVar variation 1466532 (VCV001466532.8), dbSNP rs1482714496, ClinGen allele CA391033531.

ClinVar aggregate classification (germline): Uncertain significance (1 of 4 stars; one submission).

Conditions:
Charcot-Marie-Tooth disease axonal type 2O. Also called: CHARCOT-MARIE-TOOTH NEUROPATHY, AXONAL, TYPE 2O; CHARCOT-MARIE-TOOTH DISEASE, AXONAL, AUTOSOMAL DOMINANT, TYPE 2O; Charcot-Marie-Tooth Neuropathy Type 2O; Charcot-Marie-Tooth disease, axonal, type 20. Identifiers: Orphanet 284232, MedGen C3280220, MONDO:0013644, OMIM 614228.

Submission:

Labcorp Genetics (formerly Invitae), Labcorp
Classification: Uncertain significance for Charcot-Marie-Tooth disease axonal type 2O. Last evaluated: 2023-05-22. Review status: criteria provided, single submitter. Criteria: Invitae Variant Classification Sherloc (09022015). Collection method: clinical testing. Allele origin: germline.
Comment: In summary, the available evidence is currently insufficient to determine the role of this variant in disease. Therefore, it has been classified as a Variant of Uncertain Significance. This sequence change replaces valine, which is neutral and non-polar, with leucine, which is neutral and non-polar, at codon 3784 of the DYNC1H1 protein (p.Val3784Leu). This variant is not present in population databases (gnomAD no frequency). This variant has not been reported in the literature in individuals affected with DYNC1H1-related conditions. ClinVar contains an entry for this variant (Variation ID: 1466532). Advanced modeling of protein sequence and biophysical properties (such as structural, functional, and spatial information, amino acid conservation, physicochemical variation, residue mobility, and thermodynamic stability) has been performed at Invitae for this missense variant, however the output from this modeling did not meet the statistical confidence thresholds required to predict the impact of this variant on DYNC1H1 protein function.